The following is an entry in ClinVar:

NM_080390.4(TCEAL2):c.444G>T (p.Gln148His)

Gene: TCEAL2 (transcription elongation factor A like 2; plus strand). Cytogenetic location: Xq22.1.
Variant type: single nucleotide variant.
Coding change: c.444G>T on transcript NM_080390.4 (MANE Select); coding-DNA position 444, G replaced by T.
Protein change: p.Gln148His; replaces glutamine 148 with histidine.
Molecular consequence: missense variant.
Genome position (GRCh38, 1-based): chrX:102,127,274, G>T. VCF-style: chrX-102127274-G-T. GRCh37 (hg19) VCF-style: chrX-101382246-G-T.
Other names: c.444G>T (NM_080390.3); short protein forms Q148H.
Identifiers: ClinVar variation 4084155 (VCV004084155.9).
Genomic context (GRCh38, chrX:102,127,274, plus strand): 5'-CCCAGCTGAGGATGATATACCCAGGAAAGCCAAAAGAAAAACCAACAAGGGGCTGGCTCA[G>T]TACCTCAAGCAATATAAGGAAGCCATACATGATATGAATTTCAGCAATGAGGACATGATA-3'
Protein context (NP_525129.1, residues 138-158): AKRKTNKGLA[Gln148His]YLKQYKEAIH

ClinVar aggregate classification (germline): Conflicting classifications of pathogenicity. Review status: criteria provided, conflicting classifications (1 of 4 stars). 2 submissions from 2 submitters: Uncertain significance (1); Likely benign (1). Last evaluated 2025-07-14.

gnomAD v4.1: 19 of 1,211,803 alleles (0.0016%); highest among the groups gnomAD compares: Middle Eastern, 0.023%; no homozygotes.

Submissions (2):

Ambry Genetics
Classification: Uncertain significance. Last evaluated: 2025-07-14. Review status: criteria provided, single submitter. Criteria: Ambry Variant Classification Scheme 2023. Collection method: clinical testing. Allele origin: germline.

CeGaT Center for Human Genetics Tuebingen
Classification: Likely benign. Last evaluated: 2025-07-01. Review status: criteria provided, single submitter. Criteria: CeGaT Center For Human Genetics Tuebingen Variant Classification Criteria Version 2. Collection method: clinical testing. Allele origin: germline. Affected: yes. Observed: 1 variant allele.
Comment: TCEAL2: BP4, BS2